The following is an entry in ClinVar:

ClinVar aggregate classification (germline): Uncertain significance. Review status: criteria provided, multiple submitters, no conflicts (2 of 4 stars). 2 submissions from 2 submitters: Uncertain significance (2). Last evaluated 2025-12-16.

Conditions:
Inborn genetic diseases. Identifiers: MedGen C0950123, MeSH D030342.

Allele frequency attached by ClinVar (database versions not stated): gnomAD exomes below 0.00001.
gnomAD v4.1: 1 of 1,614,194 alleles (0.000062%); no homozygotes.

Submissions (2):

Ambry Genetics
Classification: Uncertain significance for Inborn genetic diseases. Last evaluated: 2025-12-16. Review status: criteria provided, single submitter. Criteria: Ambry Variant Classification Scheme 2023. Collection method: clinical testing. Allele origin: germline.

Labcorp Genetics (formerly Invitae), Labcorp
Classification: Uncertain significance. Last evaluated: 2024-10-24. Review status: criteria provided, single submitter. Criteria: Invitae Variant Classification Sherloc (09022015). Collection method: clinical testing. Allele origin: germline.
Comment: This sequence change replaces serine, which is neutral and polar, with asparagine, which is neutral and polar, at codon 501 of the DUOX2 protein (p.Ser501Asn). This variant is not present in population databases (gnomAD no frequency). This variant has not been reported in the literature in individuals affected with DUOX2-related conditions. ClinVar contains an entry for this variant (Variation ID: 1896655). Invitae Evidence Modeling of protein sequence and biophysical properties (such as structural, functional, and spatial information, amino acid conservation, physicochemical variation, residue mobility, and thermodynamic stability) indicates that this missense variant is not expected to disrupt DUOX2 protein function with a negative predictive value of 80%. In summary, the available evidence is currently insufficient to determine the role of this variant in disease. Therefore, it has been classified as a Variant of Uncertain Significance.

NM_001363711.2(DUOX2):c.1502G>A (p.Ser501Asn)

Gene: DUOX2 (dual oxidase 2; minus strand). Cytogenetic location: 15q21.1.
Variant type: single nucleotide variant.
Coding change: c.1502G>A on transcript NM_001363711.2 (MANE Select); coding-DNA position 1502, G replaced by A.
Protein change: p.Ser501Asn; replaces serine 501 with asparagine.
Molecular consequence: missense variant.
Genome position (GRCh38, 1-based): chr15:45,108,119, C>T on the plus strand (G>A on the coding strand, the complement: DUOX2 is on the minus strand). VCF-style: chr15-45108119-C-T. GRCh37 (hg19) VCF-style: chr15-45400317-C-T.
Other names: c.1502G>A (NM_014080.4); c.1502G>A, p.Ser501Asn (NM_014080.5); short protein forms S501N.
Identifiers: ClinVar variation 1896655 (VCV001896655.5), dbSNP rs1894274087, ClinGen allele CA392276499.
Genomic context (GRCh38, chr15:45,108,119, plus strand): 5'-TTCTCAAACCAGTAGCGGTCACCATCCCGCAGCCGTACAAACTGGTCGAGGACAATGGCA[C>T]TGAACAGGGGTCCAGGGTCCCCATGGCTCTCCAGGAGCCCCCCAAGGAGCAGCTCTAGCT-3'
Protein context (NP_001350640.1, residues 491-511): ESHGDPGPLF[Ser501Asn]AIVLDQFVRL